The following is an entry in ClinVar:

NM_024422.6(DSC2):c.474+6G>A

Gene: DSC2 (desmocollin 2; minus strand). Cytogenetic location: 18q12.1.
Variant type: single nucleotide variant.
Coding change: c.474+6G>A on transcript NM_024422.6 (MANE Select); 6 bases into the intron after coding-DNA position 474, G replaced by A.
Molecular consequence: intron variant.
Genome position (GRCh38, 1-based): chr18:31,091,022, C>T on the plus strand (G>A on the coding strand, the complement: DSC2 is on the minus strand). VCF-style: chr18-31091022-C-T. GRCh37 (hg19) VCF-style: chr18-28670985-C-T.
Other names: c.474+6G>A (NM_004949.5).
Identifiers: ClinVar variation 919913 (VCV000919913.5), dbSNP rs764362617, ClinGen allele CA038538.

ClinVar aggregate classification (germline): Conflicting classifications of pathogenicity. Review status: criteria provided, conflicting classifications (1 of 4 stars). 4 submissions from 4 submitters: Uncertain significance (2); Likely benign (2). Last evaluated 2025-04-07.

Conditions:
Familial isolated arrhythmogenic right ventricular dysplasia. Identifiers: Orphanet 217656, MedGen C4274968, MONDO:0016342.
Arrhythmogenic right ventricular dysplasia 11. Also called: Arrhythmogenic Right Ventricular Dysplasia/Cardiomyopathy11; Arrhythmogenic right ventricular dysplasia 11 with mild palmoplantar keratoderma and woolly hair; ARRHYTHMOGENIC RIGHT VENTRICULAR DYSPLASIA, FAMILIAL, 11. Identifiers: MedGen C1864850, MONDO:0012506, OMIM 610476.
Cardiomyopathy (CMYO). Also called: Cardiomyopathies. Identifiers: Orphanet 167848, MedGen C0878544, MONDO:0004994, HP:0001638. Inheritance: Various modes of inheritance.

Allele frequency attached by ClinVar (database versions not stated): ExAC 0.00001; gnomAD 0.00001; gnomAD exomes 0.00001; TOPMed 0.00001.
gnomAD v4.1: 22 of 1,613,716 alleles (0.0014%); highest among the groups gnomAD compares: South Asian, 0.0055%; no homozygotes.

Submissions (4):

Labcorp Genetics (formerly Invitae), Labcorp
Classification: Uncertain significance for Arrhythmogenic right ventricular dysplasia 11. Last evaluated: 2025-04-07. Review status: criteria provided, single submitter. Criteria: Invitae Variant Classification Sherloc (09022015). Collection method: clinical testing. Allele origin: germline.
Comment: This sequence change falls in intron 4 of the DSC2 gene. It does not directly change the encoded amino acid sequence of the DSC2 protein. It affects a nucleotide within the consensus splice site. This variant is present in population databases (rs764362617, gnomAD 0.006%). This variant has not been reported in the literature in individuals affected with DSC2-related conditions. ClinVar contains an entry for this variant (Variation ID: 919913). Variants that disrupt the consensus splice site are a relatively common cause of aberrant splicing (PMID: 17576681, 9536098). Algorithms developed to predict the effect of sequence changes on RNA splicing suggest that this variant is not likely to affect RNA splicing. In summary, the available evidence is currently insufficient to determine the role of this variant in disease. Therefore, it has been classified as a Variant of Uncertain Significance.

All of Us Research Program, National Institutes of Health
Classification: Likely benign for Familial isolated arrhythmogenic right ventricular dysplasia. Last evaluated: 2023-12-13. Review status: criteria provided, single submitter. Criteria: ACMG Guidelines, 2015. Collection method: clinical testing. Allele origin: germline. Inheritance: Autosomal dominant inheritance. Observed: 1 variant allele, 1 heterozygote.
Comment: This study involves interpretation of variants in research participants for the purpose of population health screening. Participant phenotype was not available at the time of variant classification. Additional details can be found in publication PMID: 35346344, PMCID: PMC8962531

Blueprint Genetics
Classification: Uncertain significance. Last evaluated: 2022-10-27. Review status: criteria provided, single submitter. Criteria: ACMG Guidelines, 2015. Collection method: clinical testing. Allele origin: germline.

Color Diagnostics, LLC DBA Color Health
Classification: Likely benign for Cardiomyopathy. Last evaluated: 2019-03-19. Review status: criteria provided, single submitter. Criteria: ACMG Guidelines, 2015. Collection method: clinical testing. Allele origin: germline.

Literature cited by the submitters: PubMed 17576681 (cited by Labcorp Genetics (formerly Invitae), Labcorp); PubMed 9536098 (cited by Labcorp Genetics (formerly Invitae), Labcorp).